The following is an entry in ClinVar:

ClinVar aggregate classification (germline): Pathogenic (1 of 4 stars; one submission).

Submission:

Labcorp Genetics (formerly Invitae), Labcorp
Classification: Pathogenic. Last evaluated: 2023-11-25. Review status: criteria provided, single submitter. Criteria: Invitae Variant Classification Sherloc (09022015). Collection method: clinical testing. Allele origin: germline.
Comment: This sequence change creates a premature translational stop signal (p.Trp855*) in the LRP2 gene. It is expected to result in an absent or disrupted protein product. Loss-of-function variants in LRP2 are known to be pathogenic (PMID: 17632512, 25682901). This variant is not present in population databases (gnomAD no frequency). This variant has not been reported in the literature in individuals affected with LRP2-related conditions. For these reasons, this variant has been classified as Pathogenic.

Literature cited by the submitters: PubMed 17632512; PubMed 25682901.

NM_004525.3(LRP2):c.2564G>A (p.Trp855Ter)

Gene: LRP2 (LDL receptor related protein 2; minus strand). Cytogenetic location: 2q31.1.
Variant type: single nucleotide variant.
Coding change: c.2564G>A on transcript NM_004525.3 (MANE Select); coding-DNA position 2564, G replaced by A.
Protein change: p.Trp855Ter; replaces tryptophan 855 with a stop codon.
Molecular consequence: nonsense.
Genome position (GRCh38, 1-based): chr2:169,257,199, C>T on the plus strand (G>A on the coding strand, the complement: LRP2 is on the minus strand). VCF-style: chr2-169257199-C-T. GRCh37 (hg19) VCF-style: chr2-170113709-C-T.
Other names: short protein forms W855*.
Identifiers: ClinVar variation 2698959 (VCV002698959.3), dbSNP rs2528428172, ClinGen allele CA349156902.
Genomic context (GRCh38, chr2:169,257,199, plus strand): 5'-AAGCCATTGGGCCATCCAAGAGTAGTGTTTATTACAGGCAAGAGGTGAGATCCGTCACTC[C>T]ATGCTCTCATAATTTTAGCAGGACGGAACCAATCAGTGAAGAATAGATACCTAGAAAAAG-3'